The following is an entry in ClinVar:

ClinVar aggregate classification (germline): Uncertain significance. Review status: criteria provided, multiple submitters, no conflicts (2 of 4 stars). 2 submissions from 2 submitters: Uncertain significance (2). Last evaluated 2023-06-16.

Conditions:
Inborn genetic diseases. Identifiers: MedGen C0950123, MeSH D030342.

gnomAD v4.1: 3 of 1,607,042 alleles (0.00019%); highest among the groups gnomAD compares: Non-Finnish European, 0.00025%; no homozygotes.

Submissions (2):

Ambry Genetics
Classification: Uncertain significance for Inborn genetic diseases. Last evaluated: 2023-06-16. Review status: criteria provided, single submitter. Criteria: Ambry Variant Classification Scheme 2023. Collection method: clinical testing. Allele origin: germline.

Labcorp Genetics (formerly Invitae), Labcorp
Classification: Uncertain significance. Last evaluated: 2022-09-19. Review status: criteria provided, single submitter. Criteria: Invitae Variant Classification Sherloc (09022015). Collection method: clinical testing. Allele origin: germline.
Comment: This sequence change replaces glycine, which is neutral and non-polar, with arginine, which is basic and polar, at codon 220 of the SLC6A19 protein (p.Gly220Arg). The frequency data for this variant in the population databases is considered unreliable, as metrics indicate poor data quality at this position in the gnomAD database. This variant has not been reported in the literature in individuals affected with SLC6A19-related conditions. Advanced modeling of protein sequence and biophysical properties (such as structural, functional, and spatial information, amino acid conservation, physicochemical variation, residue mobility, and thermodynamic stability) performed at Invitae indicates that this missense variant is expected to disrupt SLC6A19 protein function. In summary, the available evidence is currently insufficient to determine the role of this variant in disease. Therefore, it has been classified as a Variant of Uncertain Significance.

NM_001003841.3(SLC6A19):c.658G>C (p.Gly220Arg)

Gene: SLC6A19 (solute carrier family 6 member 19; plus strand). Cytogenetic location: 5p15.33.
Variant type: single nucleotide variant.
Coding change: c.658G>C on transcript NM_001003841.3 (MANE Select); coding-DNA position 658, G replaced by C.
Protein change: p.Gly220Arg; replaces glycine 220 with arginine.
Molecular consequence: missense variant.
Genome position (GRCh38, 1-based): chr5:1,212,479, G>C. VCF-style: chr5-1212479-G-C. GRCh37 (hg19) VCF-style: chr5-1212594-G-C.
Other names: c.658G>C (NM_001003841.2); short protein forms G220R.
Identifiers: ClinVar variation 1910042 (VCV001910042.4), dbSNP rs753844063, ClinGen allele CA3182797.